The following is an entry in ClinVar:

ClinVar aggregate classification (germline): Likely pathogenic (1 of 4 stars; one submission).

Conditions:
Autosomal recessive limb-girdle muscular dystrophy type 2J (LGMDR10). Also called: Limb-girdle muscular dystrophy, type 2J; MUSCULAR DYSTROPHY, LIMB-GIRDLE, AUTOSOMAL RECESSIVE 10. Identifiers: Orphanet 140922, MedGen C1837342, MONDO:0012127, OMIM 608807.
Dilated cardiomyopathy 1G (CMD1G). Identifiers: Orphanet 154, MedGen C1858763, MONDO:0011400, OMIM 604145.

Submission:

Labcorp Genetics (formerly Invitae), Labcorp
Classification: Likely pathogenic for Dilated cardiomyopathy 1G; Autosomal recessive limb-girdle muscular dystrophy type 2J. Last evaluated: 2025-08-11. Review status: criteria provided, single submitter. Criteria: Invitae Variant Classification Sherloc (09022015). Collection method: clinical testing. Allele origin: germline.
Comment: This sequence change affects an acceptor splice site in intron 299 of the TTN gene. It is expected to disrupt RNA splicing and likely results in a truncated or disrupted TTN protein. This variant is not present in population databases (gnomAD no frequency). This variant has not been reported in the literature in individuals affected with TTN-related conditions. Algorithms developed to predict the effect of sequence changes on RNA splicing suggest that this variant may disrupt the consensus splice site. This variant is located in the A band of TTN (PMID: 25589632). Truncating variants in this region are significantly overrepresented in patients affected with dilated cardiomyopathy (PMID: 25589632). Truncating variants in this region have also been reported in individuals affected with autosomal recessive centronuclear myopathy (PMID: 23975875). In summary, the currently available evidence indicates that the variant is pathogenic, but additional data are needed to prove that conclusively. Therefore, this variant has been classified as Likely Pathogenic.

Literature cited by the submitters: PubMed 25589632; PubMed 23975875.

NM_001267550.2(TTN):c.59036-2A>T

Genes: TTN (titin; minus strand), TTN-AS1 (TTN antisense RNA 1; plus strand). Cytogenetic location: 2q31.2.
Variant type: single nucleotide variant.
Coding change: c.59036-2A>T on transcript NM_001267550.2 (MANE Select); the canonical splice acceptor site of the intron before coding-DNA position 59036, A replaced by T.
Molecular consequence: splice acceptor variant.
Genome position (GRCh38, 1-based): chr2:178,593,085, T>A on the plus strand (A>T on the coding strand, the complement: TTN is on the minus strand). VCF-style: chr2-178593085-T-A. GRCh37 (hg19) VCF-style: chr2-179457812-T-A.
Other names: c.31841-2A>T (NM_003319.4); c.32417-2A>T (NM_133437.4); c.32216-2A>T (NM_133432.3); c.51332-2A>T (NM_133378.4); c.54113-2A>T (NM_001256850.1).
Identifiers: ClinVar variation 4785843 (VCV004785843.1).